The following is an entry in ClinVar:

ClinVar aggregate classification (germline): Benign. Review status: criteria provided, multiple submitters, no conflicts (2 of 4 stars). 3 submissions from 3 submitters: Benign (3). Last evaluated 2026-01-21.

Allele frequency attached by ClinVar (database versions not stated): ESP Exome Variant Server 0.32813; TOPMed 0.41444; 1000 Genomes Project 30x 0.43863; 1000 Genomes Project 0.45507; ExAC 0.47355.
gnomAD v4.1: 143,187 of 389,238 alleles (37%); highest among the groups gnomAD compares: East Asian, 60%; 29,196 homozygotes.

Submissions (3):

Women's Health and Genetics/Laboratory Corporation of America, LabCorp
Classification: Benign. Last evaluated: 2026-01-21. Review status: criteria provided, single submitter. Criteria: LabCorp Variant Classification Summary - May 2015. Collection method: clinical testing. Allele origin: germline.

Unidad de Genómica Garrahan, Hospital de Pediatría Garrahan
Classification: Benign. Last evaluated: 2024-01-24. Review status: criteria provided, single submitter. Criteria: ACMG Guidelines, 2015. Collection method: clinical testing. Allele origin: germline. Affected: no. Observed: 26 variant alleles.
Comment: This variant is classified as Benign based on local population frequency. This variant was detected in 27% of patients studied by a panel of primary immunodeficiencies. Number of patients: 26. Only high quality variants are reported.

Mayo Clinic Laboratories, Mayo Clinic
Classification: Benign. Last evaluated: 2022-09-06. Review status: criteria provided, single submitter. Criteria: ACMG Guidelines, 2015. Collection method: clinical testing. Allele origin: germline. Observed: 39 variant alleles.

NM_005565.5(LCP2):c.564G>A (p.Val188=)

Gene: LCP2 (lymphocyte cytosolic protein 2; minus strand). Cytogenetic location: 5q35.1.
Variant type: single nucleotide variant.
Coding change: c.564G>A on transcript NM_005565.5 (MANE Select); coding-DNA position 564, G replaced by A.
Protein change: p.Val188=; no amino-acid change (valine 188 retained).
Molecular consequence: synonymous variant.
Genome position (GRCh38, 1-based): chr5:170,268,442, C>T on the plus strand (G>A on the coding strand, the complement: LCP2 is on the minus strand). VCF-style: chr5-170268442-C-T. GRCh37 (hg19) VCF-style: chr5-169695446-C-T.
Other names: p.Val188=.
Identifiers: ClinVar variation 2688279 (VCV002688279.4), dbSNP rs2292254, ClinGen allele CA3555680.